The following is an entry in ClinVar:

ClinVar aggregate classification (germline): Uncertain significance (1 of 4 stars; one submission).

gnomAD v4.1: 2 of 1,602,270 alleles (0.00012%); highest among the groups gnomAD compares: Non-Finnish European, 0.00017%; no homozygotes.

Submission:

CeGaT Center for Human Genetics Tuebingen
Classification: Uncertain significance. Last evaluated: 2022-09-01. Review status: criteria provided, single submitter. Criteria: CeGaT Center For Human Genetics Tuebingen Variant Classification Criteria Version 2. Collection method: clinical testing. Allele origin: germline. Affected: yes. Observed: 1 variant allele.
Comment: SLC39A14: PM2

NM_001128431.4(SLC39A14):c.939+1G>A

Gene: SLC39A14 (solute carrier family 39 member 14; plus strand). Cytogenetic location: 8p21.3.
Variant type: single nucleotide variant.
Coding change: c.939+1G>A on transcript NM_001128431.4 (MANE Select); the canonical splice donor site of the intron after coding-DNA position 939, G replaced by A.
Molecular consequence: splice donor variant.
Genome position (GRCh38, 1-based): chr8:22,415,958, G>A. VCF-style: chr8-22415958-G-A. GRCh37 (hg19) VCF-style: chr8-22273471-G-A.
Other names: c.939+1G>A (NM_015359.6, NM_001135153.3, NM_001351660.2 and 3 more transcripts); c.969+1G>A (NM_001351659.2, NM_001351657.2, NM_001351658.2).
Identifiers: ClinVar variation 2658467 (VCV002658467.24), dbSNP rs2487153665, ClinGen allele CA370532923.